The following is an entry in ClinVar:

NM_000064.4(C3):c.4172+41C>G

Gene: C3 (complement C3; minus strand). Cytogenetic location: 19p13.3.
Variant type: single nucleotide variant.
Coding change: c.4172+41C>G on transcript NM_000064.4 (MANE Select); 41 bases into the intron after coding-DNA position 4172, C replaced by G.
Molecular consequence: intron variant.
Genome position (GRCh38, 1-based): chr19:6,684,347, G>C on the plus strand (C>G on the coding strand, the complement: C3 is on the minus strand). VCF-style: chr19-6684347-G-C. GRCh37 (hg19) VCF-style: chr19-6684358-G-C.
Identifiers: ClinVar variation 4280256 (VCV004280256.2).

ClinVar aggregate classification (germline): Likely benign (1 of 4 stars; one submission).

Conditions:
Atypical hemolytic-uremic syndrome. Identifiers: Orphanet 2134, MedGen C2931788, MONDO:0016244.

gnomAD v4.1: 54 of 1,497,966 alleles (0.0036%); highest among the groups gnomAD compares: Non-Finnish European, 0.0047%; no homozygotes.

Submission:

Genomenon, Inc
Classification: Likely benign for Atypical hemolytic-uremic syndrome. Last evaluated: 2026-09-17. Review status: criteria provided, single submitter. Criteria: Genomenon Sequence Variant Interpretation Standards - Updated. Collection method: curation. Allele origin: germline. Affected: yes.
Comment: C3 c.4172+41C>G is an intronic variant located in intron 33. This variant has been observed in at least one proband affected with atypical hemolytic-uremic syndrome (PMID:28939980). It is absent or not present at a significant frequency in gnomAD. This variant is not predicted to impact splicing. In conclusion, we classify C3 c.4172+41C>G as a likely benign variant.

Literature cited by the submitters: PubMed 28939980.